The following is an entry in ClinVar:

ClinVar aggregate classification (germline): Uncertain significance (1 of 4 stars; one submission).

Submission:

Labcorp Genetics (formerly Invitae), Labcorp
Classification: Uncertain significance. Last evaluated: 2025-05-26. Review status: criteria provided, single submitter. Criteria: Invitae Variant Classification Sherloc (09022015). Collection method: clinical testing. Allele origin: germline.
Comment: This sequence change replaces valine, which is neutral and non-polar, with alanine, which is neutral and non-polar, at codon 292 of the DSG1 protein (p.Val292Ala). This variant is not present in population databases (gnomAD no frequency). This variant has not been reported in the literature in individuals affected with DSG1-related conditions. ClinVar contains an entry for this variant (Variation ID: 3611737). Invitae Evidence Modeling of protein sequence and biophysical properties (such as structural, functional, and spatial information, amino acid conservation, physicochemical variation, residue mobility, and thermodynamic stability) indicates that this missense variant is not expected to disrupt DSG1 protein function with a negative predictive value of 80%. In summary, the available evidence is currently insufficient to determine the role of this variant in disease. Therefore, it has been classified as a Variant of Uncertain Significance.

NM_001942.4(DSG1):c.875T>C (p.Val292Ala)

Gene: DSG1 (desmoglein 1; plus strand). Cytogenetic location: 18q12.1.
Variant type: single nucleotide variant.
Coding change: c.875T>C on transcript NM_001942.4 (MANE Select); coding-DNA position 875, T replaced by C.
Protein change: p.Val292Ala; replaces valine 292 with alanine.
Molecular consequence: missense variant.
Genome position (GRCh38, 1-based): chr18:31,334,072, T>C. VCF-style: chr18-31334072-T-C. GRCh37 (hg19) VCF-style: chr18-28914035-T-C.
Other names: short protein forms V292A.
Identifiers: ClinVar variation 3611737 (VCV003611737.2).